The following is an entry in ClinVar:

NM_000124.4(ERCC6):c.1495del (p.Val499fs)

Gene: ERCC6 (ERCC excision repair 6, chromatin remodeling factor; minus strand). Cytogenetic location: 10q11.23.
Variant type: Deletion.
Coding change: c.1495del on transcript NM_000124.4 (MANE Select); coding-DNA position 1495, one base deleted (G; older notation c.1495delG).
Protein change: p.Val499fs; shifts the reading frame from valine 499.
Molecular consequence: frameshift variant.
Genome position (GRCh38, 1-based): chr10:49,505,915, C deleted on the plus strand (G on the coding strand, the reverse complement: ERCC6 is on the minus strand). VCF-style (leftmost placement, unchanged base first): chr10-49505914-AC-A. GRCh37 (hg19) VCF-style: chr10-50713960-AC-A.
Other names: c.1495del, p.Val499fs (NM_001346440.2); short protein forms V499fs.
Identifiers: ClinVar variation 5014158 (VCV005014158.1).

ClinVar aggregate classification (germline): Pathogenic (1 of 4 stars; one submission).

Conditions:
Cockayne spectrum with or without cerebrooculofacioskeletal syndrome. Identifiers: MedGen CN315928, MONDO:0100506.

Submission:

Myriad Genetics, Inc.
Classification: Pathogenic for Cockayne spectrum with or without cerebrooculofacioskeletal syndrome. Last evaluated: 2025-03-01. Review status: criteria provided, single submitter. Criteria: Myriad Autosomal Dominant, Autosomal Recessive and X-Linked Classification Criteria (2023). Collection method: clinical testing. Allele origin: unknown.
Comment: NM_000124.2(ERCC6):c.1495delG(V499Cfs*44) is expected to be pathogenic in the context of ERCC6-related disorders. This variant is predicted to lead to an abnormal or absent protein product due to the creation of a premature termination codon in ERCC6, a gene where loss-of-function variants are known to be pathogenic. Please note: this variant was assessed in the context of healthy population screening.